The following is an entry in ClinVar:

ClinVar aggregate classification (germline): Uncertain significance. Review status: criteria provided, multiple submitters, no conflicts (2 of 4 stars). 3 submissions from 3 submitters: Uncertain significance (3). Last evaluated 2024-12-23.

Conditions:
Hereditary cancer-predisposing syndrome. Also called: Hereditary Cancer Syndrome; Neoplastic Syndromes, Hereditary; Tumor predisposition; Hereditary neoplastic syndrome. Identifiers: Orphanet 140162, MedGen C0027672, MeSH D009386, MONDO:0015356.
Breast-ovarian cancer, familial, susceptibility to, 2 (BROVCA2). Also called: BRCA2 Hereditary Breast and Ovarian Cancer. Identifiers: Orphanet 145, MedGen C2675520, MONDO:0012933, OMIM 612555. Disease mechanism: loss of function.
Hereditary breast ovarian cancer syndrome. Also called: Hereditary breast and/or ovarian cancer syndrome; BRCA1- and BRCA2-Associated Hereditary Breast and Ovarian Cancer; Hereditary breast and ovarian cancer syndrome (HBOC); Hereditary breast and ovarian cancer; Hereditary breast and ovarian cancer syndrome; Breast and ovarian cancer. Identifiers: Orphanet 145, MedGen C0677776, MeSH D061325, MONDO:0003582. Disease mechanism: loss of function.

Submissions (3):

Labcorp Genetics (formerly Invitae), Labcorp
Classification: Uncertain significance for Hereditary breast ovarian cancer syndrome. Last evaluated: 2024-12-23. Review status: criteria provided, single submitter. Criteria: Invitae Variant Classification Sherloc (09022015). Collection method: clinical testing. Allele origin: germline.
Comment: This sequence change replaces alanine, which is neutral and non-polar, with valine, which is neutral and non-polar, at codon 262 of the BRCA2 protein (p.Ala262Val). This variant is not present in population databases (gnomAD no frequency). This variant has not been reported in the literature in individuals affected with BRCA2-related conditions. ClinVar contains an entry for this variant (Variation ID: 231900). Invitae Evidence Modeling of protein sequence and biophysical properties (such as structural, functional, and spatial information, amino acid conservation, physicochemical variation, residue mobility, and thermodynamic stability) indicates that this missense variant is not expected to disrupt BRCA2 protein function with a negative predictive value of 95%. In summary, the available evidence is currently insufficient to determine the role of this variant in disease. Therefore, it has been classified as a Variant of Uncertain Significance.

Ambry Genetics
Classification: Uncertain significance for Hereditary cancer-predisposing syndrome. Last evaluated: 2023-10-28. Review status: criteria provided, single submitter. Criteria: Ambry Variant Classification Scheme 2023. Collection method: clinical testing. Allele origin: germline.
Comment: The p.A262V variant (also known as c.785C>T), located in coding exon 8 of the BRCA2 gene, results from a C to T substitution at nucleotide position 785. The alanine at codon 262 is replaced by valine, an amino acid with similar properties. This amino acid position is poorly conserved in available vertebrate species. In addition, this alteration is predicted to be tolerated by in silico analysis. Since supporting evidence is limited at this time, the clinical significance of this alteration remains unclear.

All of Us Research Program, National Institutes of Health
Classification: Uncertain significance for Breast-ovarian cancer, familial, susceptibility to, 2. Last evaluated: 2023-05-04. Review status: criteria provided, single submitter. Criteria: ACMG Guidelines, 2015. Collection method: clinical testing. Allele origin: germline. Inheritance: Autosomal dominant inheritance. Observed: 1 variant allele, 1 heterozygote.
Comment: This missense variant replaces alanine with valine at codon 262 of the BRCA2 protein. Computational prediction suggests that this variant may not impact protein structure and function (internally defined REVEL score threshold <= 0.5, PMID: 27666373). To our knowledge, functional studies have not been reported for this variant. This variant has not been reported in individuals affected with BRCA2-related disorders in the literature. This variant has not been identified in the general population by the Genome Aggregation Database (gnomAD). The available evidence is insufficient to determine the role of this variant in disease conclusively. Therefore, this variant is classified as a Variant of Uncertain Significance.

This study involves interpretation of variants in research participants for the purpose of population health screening. Participant phenotype was not available at the time of variant classification. Additional details can be found in publication PMID: 35346344, PMCID: PMC8962531

NM_000059.4(BRCA2):c.785C>T (p.Ala262Val)

Gene: BRCA2 (BRCA2 DNA repair associated; plus strand). Cytogenetic location: 13q13.1.
Variant type: single nucleotide variant.
Coding change: c.785C>T on transcript NM_000059.4 (MANE Select); coding-DNA position 785, C replaced by T.
Protein change: p.Ala262Val; replaces alanine 262 with valine.
Molecular consequence: missense variant.
Genome position (GRCh38, 1-based): chr13:32,331,022, C>T. VCF-style: chr13-32331022-C-T. GRCh37 (hg19) VCF-style: chr13-32905159-C-T.
Other names: short protein forms A262V.
Identifiers: ClinVar variation 231900 (VCV000231900.12), dbSNP rs876659434, ClinGen allele CA10579472.